The following is an entry in ClinVar:

ClinVar aggregate classification (germline): Uncertain significance (1 of 4 stars; one submission).

gnomAD v4.1: 1 of 1,614,024 alleles (0.000062%); highest among the groups gnomAD compares: Admixed American, 0.0017%; no homozygotes.

Submission:

Labcorp Genetics (formerly Invitae), Labcorp
Classification: Uncertain significance. Last evaluated: 2025-02-28. Review status: criteria provided, single submitter. Criteria: Invitae Variant Classification Sherloc (09022015). Collection method: clinical testing. Allele origin: germline.
Comment: This sequence change replaces serine, which is neutral and polar, with arginine, which is basic and polar, at codon 3987 of the ANK3 protein (p.Ser3987Arg). This variant is present in population databases (rs368607611, gnomAD 0.003%). This variant has not been reported in the literature in individuals affected with ANK3-related conditions. ClinVar contains an entry for this variant (Variation ID: 2957248). Invitae Evidence Modeling of protein sequence and biophysical properties (such as structural, functional, and spatial information, amino acid conservation, physicochemical variation, residue mobility, and thermodynamic stability) indicates that this missense variant is not expected to disrupt ANK3 protein function with a negative predictive value of 80%. In summary, the available evidence is currently insufficient to determine the role of this variant in disease. Therefore, it has been classified as a Variant of Uncertain Significance.

NM_020987.5(ANK3):c.11961T>G (p.Ser3987Arg)

Gene: ANK3 (ankyrin 3; minus strand). Cytogenetic location: 10q21.2.
Variant type: single nucleotide variant.
Coding change: c.11961T>G on transcript NM_020987.5 (MANE Select); coding-DNA position 11961, T replaced by G.
Protein change: p.Ser3987Arg; replaces serine 3987 with arginine.
Molecular consequence: missense variant. On other transcripts: intron variant (4).
Genome position (GRCh38, 1-based): chr10:60,068,920, A>C on the plus strand (T>G on the coding strand, the complement: ANK3 is on the minus strand). VCF-style: chr10-60068920-A-C. GRCh37 (hg19) VCF-style: chr10-61828678-A-C.
Other names: c.4388-911T>G (NM_001204403.2); c.4409-911T>G (NM_001204404.2); c.4406-911T>G (NM_001320874.2); c.1808-911T>G (NM_001149.4); short protein forms S3987R.
Identifiers: ClinVar variation 2957248 (VCV002957248.3), dbSNP rs368607611, ClinGen allele CA5510997.
Genomic context (GRCh38, chr10:60,068,920, plus strand): 5'-GGTCTCACCACTAATTCCCTTAAAATATTCAATGGAATGTTTACATACTTCCTTGAGCTG[A>C]CTTTTCCTAACTTTAACTGTGCAGCTGGTGGTGGTGGTAGTGGTGGTAGTGGTGGTGGTG-3'
Protein context (NP_066267.2, residues 3977-3997): TTSCTVKVRK[Ser3987Arg]QLKEVCKHSI